The following is an entry in ClinVar:

ClinVar aggregate classification (germline): Benign. Review status: reviewed by expert panel (3 of 4 stars). 15 submissions from 15 submitters: Benign (1). 14 of the submissions do not count toward it. Last evaluated 2023-08-10.

Conditions:
CDH1-related diffuse gastric and lobular breast cancer syndrome. Also called: CDH1-related diffuse gastric and lobular breast cancer. Identifiers: MedGen CN311521, MONDO:0100488.
CDH1-related disorder. Also called: CDH1-related condition.
Hereditary cancer-predisposing syndrome. Also called: Tumor predisposition; Hereditary neoplastic syndrome; Neoplastic Syndromes, Hereditary; Hereditary Cancer Syndrome. Identifiers: Orphanet 140162, MedGen C0027672, MeSH D009386, MONDO:0015356.
Hereditary diffuse gastric adenocarcinoma (HDGC). Also called: DIFFUSE GASTRIC AND LOBULAR BREAST CANCER SYNDROME. Identifiers: Orphanet 26106, MedGen C1708349, MONDO:0007648, OMIM 137215.

Allele frequency attached by ClinVar (database versions not stated): gnomAD 0.00001; gnomAD exomes 0.00001 and 0.00002; ExAC 0.00002; TOPMed 0.00002; ESP Exome Variant Server 0.00008.
gnomAD v4.1: 22 of 1,614,040 alleles (0.0014%); highest among the groups gnomAD compares: Admixed American, 0.0083%; no homozygotes.

Submissions (15):

Clingen Gastric Cancer Variant Curation Expert Panel
Classification: Benign for CDH1-related diffuse gastric and lobular breast cancer syndrome. Last evaluated: 2023-08-10. Review status: reviewed by expert panel. Criteria: ClinGen CDH1 ACMG Specifications V3.1. Collection method: curation. Allele origin: germline. Inheritance: Autosomal dominant inheritance.
Comment: The c.1162G>A (p.Glu388Lys) variant was observed in the homozygous state in an individual without a personal and/or family history of diffuse gastric cancer, lobular breast cancer (BP2_Strong; SCV000254804.3). The variant has also been observed in >10 individuals without a diagnosis of diffuse gastric cancer, signet ring tumor or lobular breast cancer and whose family histories do not suggest HDGC (BS2; internal laboratory contributors). In summary, this variant meets criteria to be classified as benign. ACMG/AMP criteria applied, as specified by the CDH1 Variant Curation Expert Panel (Variant Interpretation Guidelines Version 3.1): BP2_Strong, BS2.

PreventionGenetics, part of Exact Sciences
Classification: Likely benign for CDH1-related condition. Last evaluated: 2026-08-31. Review status: criteria provided, single submitter. Criteria: ACMG Guidelines, 2015. Collection method: clinical testing. Allele origin: germline. Not counted in ClinVar's aggregate classification.
Comment: This variant is classified as likely benign based on ACMG/AMP sequence variant interpretation guidelines (Richards et al. 2015 PMID: 25741868, with internal and published modifications).

Labcorp Genetics (formerly Invitae), Labcorp
Classification: Benign for Hereditary diffuse gastric adenocarcinoma. Last evaluated: 2026-01-27. Review status: criteria provided, single submitter. Criteria: Invitae Variant Classification Sherloc (09022015). Collection method: clinical testing. Allele origin: germline. Not counted in ClinVar's aggregate classification.

CeGaT Center for Human Genetics Tuebingen
Classification: Likely benign. Last evaluated: 2025-08-01. Review status: criteria provided, single submitter. Criteria: CeGaT Center For Human Genetics Tuebingen Variant Classification Criteria Version 2. Collection method: clinical testing. Allele origin: germline. Affected: yes. Observed: 1 variant allele. Not counted in ClinVar's aggregate classification.
Comment: CDH1: BP4, BS2

Women's Health and Genetics/Laboratory Corporation of America, LabCorp
Classification: Benign. Last evaluated: 2025-03-28. Review status: criteria provided, single submitter. Criteria: LabCorp Variant Classification Summary - May 2015. Collection method: clinical testing. Allele origin: germline. Not counted in ClinVar's aggregate classification.
Comment: Variant summary: CDH1 c.1162G>A (p.Glu388Lys) results in a conservative amino acid change located in the Cadherin-like repeat domain (IPR002126) of the encoded protein sequence. Five of five in-silico tools predict a benign effect of the variant on protein function. The variant allele was found at a frequency of 1.4e-05 in 1607046 control chromosomes in the gnomAD database; however in several subpopulations the variant was found with higher allele frequencies than the maximum excepted for a pathogenic variant. The variant, c.1162G>A, to our knowledge has not been reported in the literature in individuals affected with Hereditary Diffuse Gastric Cancer, however it was repeatedly found in individuals affected with other tumor phenotypes and in healthy controls (e.g. Bodian_2014, Momozawa_2018, Wang_2019, Dorling_2021, Okawa_2023). To our knowledge, no experimental evidence demonstrating an impact on protein function has been reported. ClinVar contains an entry for this variant (Variation ID: 127906). Based on the evidence outlined above, the variant was classified as benign.

Mayo Clinic Laboratories, Mayo Clinic
Classification: Benign. Last evaluated: 2024-12-06. Review status: criteria provided, single submitter. Criteria: ACMG Guidelines, 2015. Collection method: clinical testing. Allele origin: germline. Observed: 1 variant allele. Not counted in ClinVar's aggregate classification.
Comment: BS2, BP2_strong

Color Diagnostics, LLC DBA Color Health
Classification: Benign for Hereditary cancer-predisposing syndrome. Last evaluated: 2024-09-25. Review status: criteria provided, single submitter. Criteria: ACMG Guidelines, 2015. Collection method: clinical testing. Allele origin: germline. Not counted in ClinVar's aggregate classification.

Myriad Genetics, Inc.
Classification: Uncertain significance for Hereditary diffuse gastric adenocarcinoma. Last evaluated: 2023-03-07. Review status: criteria provided, single submitter. Criteria: Myriad Autosomal Dominant, Autosomal Recessive and X-Linked Classification Criteria (2023). Collection method: clinical testing. Allele origin: unknown. Not counted in ClinVar's aggregate classification.
Comment: This variant is classified as a variant of uncertain significance as there is insufficient evidence to determine its impact on protein function and/or cancer risk.

Quest Diagnostics Nichols Institute San Juan Capistrano
Classification: Benign. Last evaluated: 2023-02-08. Review status: criteria provided, single submitter. Criteria: Quest Diagnostics criteria. Collection method: clinical testing. Allele origin: unknown. Not counted in ClinVar's aggregate classification.

Sema4
Classification: Benign for Hereditary cancer-predisposing syndrome. Last evaluated: 2020-10-15. Review status: criteria provided, single submitter. Criteria: Sema4 Curation Guidelines. Collection method: curation. Allele origin: germline. Not counted in ClinVar's aggregate classification.

Ambry Genetics
Classification: Likely benign for Hereditary cancer-predisposing syndrome. Last evaluated: 2019-01-11. Review status: criteria provided, single submitter. Criteria: Ambry Variant Classification Scheme 2023. Collection method: clinical testing. Allele origin: germline. Not counted in ClinVar's aggregate classification.

GeneDx
Classification: Uncertain significance. Last evaluated: 2018-01-10. Review status: criteria provided, single submitter. Criteria: GeneDx Variant Classification (06012015). Collection method: clinical testing. Allele origin: germline. Affected: yes. Not counted in ClinVar's aggregate classification.
Comment: This variant is denoted CDH1 c.1162G>A at the cDNA level, p.Glu388Lys (E388K) at the protein level, and results in the change of a Glutamic Acid to a Lysine (GAG>AAG). CDH1 Glu388Lys was not observed at a significant allele frequency in large population cohorts (Lek 2016). This variant is located in the Cadherin 3 domain (UniProt). In-silico analysis, which includes protein predictors and evolutionary conservation, supports that this variant does not alter protein structure/function. Based on currently available evidence, it is unclear whether CDH1 Glu388Lys is a pathogenic or benign variant. We consider it to be a variant of uncertain significance.

Genetic Services Laboratory, University of Chicago
Classification: Benign. Last evaluated: 2022-08-22. Review status: no assertion criteria provided. Collection method: clinical testing. Allele origin: germline. Affected: no. Not counted in ClinVar's aggregate classification.

Counsyl
Classification: Uncertain significance for Hereditary diffuse gastric adenocarcinoma. Last evaluated: 2016-02-16. Review status: no assertion criteria provided. Collection method: clinical testing. Allele origin: unknown. Not counted in ClinVar's aggregate classification.

ITMI
No classification provided. Condition: AllHighlyPenetrant. Last evaluated: 2013-09-19. Review status: no classification provided. Collection method: reference population. Allele origin: germline. Not counted in ClinVar's aggregate classification.
Comment: Please see associated publication for description of ethnicities

Literature cited by the submitters: PubMed 24728327 (cited by 5 submitters); PubMed 30287823 (cited by 3 submitters); PubMed 30982232 (cited by Women's Health and Genetics/Laboratory Corporation of America, LabCorp and Quest Diagnostics Nichols Institute San Juan Capistrano); PubMed 33471991 (cited by Women's Health and Genetics/Laboratory Corporation of America, LabCorp); PubMed 36243179 (cited by Women's Health and Genetics/Laboratory Corporation of America, LabCorp); PubMed 28569743 (cited by Quest Diagnostics Nichols Institute San Juan Capistrano); PubMed 30311375 (cited by Quest Diagnostics Nichols Institute San Juan Capistrano).

NM_004360.5(CDH1):c.1162G>A (p.Glu388Lys)

Gene: CDH1 (cadherin 1; plus strand). Cytogenetic location: 16q22.1.
Variant type: single nucleotide variant.
Coding change: c.1162G>A on transcript NM_004360.5 (MANE Select); coding-DNA position 1162, G replaced by A.
Protein change: p.Glu388Lys; replaces glutamic acid 388 with lysine.
Molecular consequence: missense variant. On other transcripts: 5 prime UTR variant (2), intron variant (1).
Genome position (GRCh38, 1-based): chr16:68,813,337, G>A. VCF-style: chr16-68813337-G-A. GRCh37 (hg19) VCF-style: chr16-68847240-G-A.
Other names: p.E388K:GAG>AAG; NM_004360.4(CDH1):c.1162G>A; c.-454G>A (NM_001317185.2); c.-658G>A (NM_001317186.2); c.1137+1074G>A (NM_001317184.2); c.1162G>A (LRG_301t1); short protein forms E388K.
Identifiers: ClinVar variation 127906 (VCV000127906.43), dbSNP rs372838203, ClinGen allele CA157986.